The following is an entry in ClinVar:

ClinVar aggregate classification (germline): Uncertain significance (1 of 4 stars; one submission).

Submission:

GeneDx
Classification: Uncertain significance. Last evaluated: 2025-02-07. Review status: criteria provided, single submitter. Criteria: GeneDx Variant Classification Process June 2021. Collection method: clinical testing. Allele origin: germline. Affected: yes.
Comment: Not observed at significant frequency in large population cohorts (gnomAD); In-frame duplication of 4 amino acid(s) in a non-repeat region; Has not been previously published as pathogenic or benign to our knowledge

NM_172107.4(KCNQ2):c.2022_2033dup (p.Glu678_His679insAspSerArgGlu)

Gene: KCNQ2 (potassium voltage-gated channel subfamily Q member 2; minus strand). Cytogenetic location: 20q13.33.
Variant type: Duplication.
Coding change: c.2022_2033dup on transcript NM_172107.4 (MANE Select); coding-DNA positions 2022 to 2033, 12 bases duplicated (AGACAGCCGGGA).
Protein change: p.Glu678_His679insAspSerArgGlu.
Molecular consequence: inframe insertion.
Genome position (GRCh38, 1-based): chr20:63,407,230-63,407,241, TCCCGGCTGTCT duplicated on the plus strand (AGACAGCCGGGA on the coding strand, the reverse complement: KCNQ2 is on the minus strand); duplicating any 12 consecutive bases within chr20:63,407,230-63,407,244 gives the same sequence; the c. name uses the placement nearest the transcript's 3' end. VCF-style (leftmost placement, unchanged base first): chr20-63407229-C-CTCCCGGCTGTCT. GRCh37 (hg19) VCF-style: chr20-62038582-C-CTCCCGGCTGTCT.
Other names: c.2076_2087dup, p.Glu696_His697insAspSerArgGlu (NM_001382235.1); c.1965_1976dup, p.Glu659_His660insAspSerArgGlu (NM_001439003.1); c.1935_1946dup, p.Glu649_His650insAspSerArgGlu (NM_001439004.1); c.1938_1949dup, p.Glu650_His651insAspSerArgGlu (NM_004518.6); c.1968_1979dup, p.Glu660_His661insAspSerArgGlu (NM_172106.3); c.1929_1940dup, p.Glu647_His648insAspSerArgGlu (NM_172108.5).
Identifiers: ClinVar variation 4074523 (VCV004074523.1).